The following is an entry in ClinVar:

NM_014140.4(SMARCAL1):c.1065G>A (p.Ala355=)

Gene: SMARCAL1 (SNF2 related chromatin remodeling annealing helicase 1; plus strand). Cytogenetic location: 2q35.
Variant type: single nucleotide variant.
Coding change: c.1065G>A on transcript NM_014140.4 (MANE Select); coding-DNA position 1065, G replaced by A.
Protein change: p.Ala355=; no amino-acid change (alanine 355 retained).
Molecular consequence: synonymous variant.
Genome position (GRCh38, 1-based): chr2:216,420,501, G>A. VCF-style: chr2-216420501-G-A. GRCh37 (hg19) VCF-style: chr2-217285224-G-A.
Other names: c.1065G>A (NM_014140.3); c.1065G>A, p.Ala355= (NM_001127207.2).
Identifiers: ClinVar variation 1105286 (VCV001105286.11), dbSNP rs374876609, ClinGen allele CA2097765.
Genomic context (GRCh38, chr2:216,420,501, plus strand): 5'-CATGCTCATCTCCAGGGCCTACTTCGAGGCAGACATCAGTTATTCACAGGACCTTATTGC[G>A]CTTTTTAAACAGATGGATTCCAGAAGATATGGCAAGTAATTGGTCTTTGTCTGATTCCCA-3'
Protein context (NP_054859.2, residues 345-365): ADISYSQDLI[Ala355=]LFKQMDSRRY

ClinVar aggregate classification (germline): Likely benign. Review status: criteria provided, single submitter (1 of 4 stars). 2 submissions from 2 submitters: Likely benign (1). 1 of the submissions does not count toward it. Last evaluated 2025-12-22.

Conditions:
SMARCAL1-related disorder. Also called: SMARCAL1-related condition.
Schimke immuno-osseous dysplasia (SIOD). Also called: Schimke Immunoosseous Dysplasia. Identifiers: Orphanet 1830, MedGen C0877024, MONDO:0009458, OMIM 242900.

Allele frequency attached by ClinVar (database versions not stated): ExAC 0.00002; gnomAD exomes 0.00002; gnomAD 0.00003 and 0.00004; TOPMed 0.00003; ESP Exome Variant Server 0.00008.
gnomAD v4.1: 45 of 1,613,966 alleles (0.0028%); highest among the groups gnomAD compares: East Asian, 0.0067%; 1 homozygote.

Submissions (2):

Labcorp Genetics (formerly Invitae), Labcorp
Classification: Likely benign for Schimke immuno-osseous dysplasia. Last evaluated: 2025-12-22. Review status: criteria provided, single submitter. Criteria: Invitae Variant Classification Sherloc (09022015). Collection method: clinical testing. Allele origin: germline.

PreventionGenetics, part of Exact Sciences
Classification: Likely benign for SMARCAL1-related condition. Last evaluated: 2019-11-11. Review status: no assertion criteria provided. Collection method: clinical testing. Allele origin: germline. Not counted in ClinVar's aggregate classification.
Comment: This variant is classified as likely benign based on ACMG/AMP sequence variant interpretation guidelines (Richards et al. 2015 PMID: 25741868, with internal and published modifications).